The following is an entry in ClinVar:

NM_001286.5(CLCN6):c.2075A>G (p.Glu692Gly)

Gene: CLCN6 (chloride voltage-gated channel 6; plus strand). Cytogenetic location: 1p36.22.
Variant type: single nucleotide variant.
Coding change: c.2075A>G on transcript NM_001286.5 (MANE Select); coding-DNA position 2075, A replaced by G.
Protein change: p.Glu692Gly; replaces glutamic acid 692 with glycine.
Molecular consequence: missense variant. On other transcripts: non-coding transcript variant (1).
Genome position (GRCh38, 1-based): chr1:11,837,093, A>G. VCF-style: chr1-11837093-A-G. GRCh37 (hg19) VCF-style: chr1-11897150-A-G.
Other names: c.2009A>G, p.Glu670Gly (NM_001256959.2); short protein forms E670G, E692G.
Identifiers: ClinVar variation 3697322 (VCV003697322.2).

ClinVar aggregate classification (germline): Uncertain significance (1 of 4 stars; one submission).

gnomAD v4.1: 2 of 1,613,514 alleles (0.00012%); highest among the groups gnomAD compares: Non-Finnish European, 0.00017%; no homozygotes.

Submission:

Labcorp Genetics (formerly Invitae), Labcorp
Classification: Uncertain significance. Last evaluated: 2024-12-16. Review status: criteria provided, single submitter. Criteria: Invitae Variant Classification Sherloc (09022015). Collection method: clinical testing. Allele origin: germline.
Comment: This sequence change replaces glutamic acid, which is acidic and polar, with glycine, which is neutral and non-polar, at codon 692 of the CLCN6 protein (p.Glu692Gly). This variant is present in population databases (rs745622403, gnomAD 0.0009%). This variant has not been reported in the literature in individuals affected with CLCN6-related conditions. An algorithm developed to predict the effect of missense changes on protein structure and function (PolyPhen-2) suggests that this variant is likely to be tolerated. In summary, the available evidence is currently insufficient to determine the role of this variant in disease. Therefore, it has been classified as a Variant of Uncertain Significance.